The following is an entry in ClinVar:

NM_004738.4(VAPB):c.-292G>C

Genes: VAPB (VAMP associated protein B and C; plus strand), LOC130066253 (ATAC-STARR-seq lymphoblastoid silent region 13072; plus strand). Cytogenetic location: 20q13.32.
Variant type: single nucleotide variant.
Coding change: c.-292G>C on transcript NM_004738.4; 292 bases upstream of the start codon, G replaced by C.
Genome position (GRCh38, 1-based): chr20:58,389,168, G>C. VCF-style: chr20-58389168-G-C. GRCh37 (hg19) VCF-style: chr20-56964224-G-C.
Identifiers: ClinVar variation 338918 (VCV000338918.7), dbSNP rs2234484, ClinGen allele CA9924076.
Genomic context (GRCh38, chr20:58,389,168, plus strand): 5'-CGCGCAGCTTTAGTCCCCGCCCCTGGAGCCGGCGGCGCAGGGCGCAGCTTCCCGCCGCCA[G>C]AGCGGGCCAGCCTGCTGCGTGCGTGCGTGTGTACGACTCTGCGTGCGTGCGTGCGTGCGT-3'

ClinVar aggregate classification (germline): Benign. Review status: criteria provided, single submitter (1 of 4 stars). 2 submissions from 1 submitter: Benign (2). Last evaluated 2018-01-12.

Conditions:
Adult-onset proximal spinal muscular atrophy, autosomal dominant. Also called: FINKEL LATE-ADULT TYPE SMA; Spinal muscular atrophy, late-onset, finkel type. Identifiers: Orphanet 209335, MedGen C1854058, MONDO:0008453, OMIM 182980.
Amyotrophic lateral sclerosis type 8 (ALS8). Identifiers: Orphanet 803, MedGen C1837728, MONDO:0012077, OMIM 608627.

Allele frequency attached by ClinVar (database versions not stated): gnomAD exomes 0.00067 and 0.00075; TOPMed 0.00935; 1000 Genomes Project 0.01098; ExAC 0.00022; 1000 Genomes Project 30x 0.01280.

Submissions (2):

Illumina Laboratory Services, Illumina
Classification: Benign for Amyotrophic lateral sclerosis type 8. Last evaluated: 2018-01-12. Review status: criteria provided, single submitter. Criteria: ICSL Variant Classification Criteria 13 December 2019. Collection method: clinical testing. Allele origin: germline.
Comment: This variant was observed in the ICSL laboratory as part of a predisposition screen in an ostensibly healthy population. It had not been previously curated by ICSL or reported in the Human Gene Mutation Database (HGMD: prior to June 1st, 2018), and was therefore a candidate for classification through an automated scoring system. Utilizing variant allele frequency, disease prevalence and penetrance estimates, and inheritance mode, an automated score was calculated to assess if this variant is too frequent to cause the disease. Based on the score and internal cut-off values, a variant classified as benign is not then subjected to further curation. The score for this variant resulted in a classification of benign for this disease.

Illumina Laboratory Services, Illumina
Classification: Benign for Adult-onset proximal spinal muscular atrophy, autosomal dominant. Last evaluated: 2018-01-12. Review status: criteria provided, single submitter. Criteria: ICSL Variant Classification Criteria 13 December 2019. Collection method: clinical testing. Allele origin: germline.
Comment: the same text as in the submission from Illumina Laboratory Services, Illumina above.